The following is an entry in ClinVar:

ClinVar aggregate classification (germline): Uncertain significance (1 of 4 stars; one submission).

Allele frequency attached by ClinVar (database versions not stated): ExAC 0.00002; gnomAD exomes 0.00003; TOPMed 0.00003.
gnomAD v4.1: 48 of 1,613,390 alleles (0.003%); highest among the groups gnomAD compares: East Asian, 0.0089%; no homozygotes.

Submission:

Labcorp Genetics (formerly Invitae), Labcorp
Classification: Uncertain significance. Last evaluated: 2022-02-07. Review status: criteria provided, single submitter. Criteria: Invitae Variant Classification Sherloc (09022015). Collection method: clinical testing. Allele origin: germline.
Comment: This sequence change replaces arginine, which is basic and polar, with cysteine, which is neutral and slightly polar, at codon 167 of the LIFR protein (p.Arg167Cys). This variant is present in population databases (rs774503800, gnomAD 0.01%). This variant has not been reported in the literature in individuals affected with LIFR-related conditions. Algorithms developed to predict the effect of missense changes on protein structure and function (SIFT, PolyPhen-2, Align-GVGD) all suggest that this variant is likely to be tolerated. In summary, the available evidence is currently insufficient to determine the role of this variant in disease. Therefore, it has been classified as a Variant of Uncertain Significance.

NM_001127671.2(LIFR):c.499C>T (p.Arg167Cys)

Gene: LIFR (LIF receptor subunit alpha; minus strand). Cytogenetic location: 5p13.1.
Variant type: single nucleotide variant.
Coding change: c.499C>T on transcript NM_001127671.2 (MANE Select); coding-DNA position 499, C replaced by T.
Protein change: p.Arg167Cys; replaces arginine 167 with cysteine.
Molecular consequence: missense variant.
Genome position (GRCh38, 1-based): chr5:38,523,481, G>A on the plus strand (C>T on the coding strand, the complement: LIFR is on the minus strand). VCF-style: chr5-38523481-G-A. GRCh37 (hg19) VCF-style: chr5-38523583-G-A.
Other names: c.499C>T, p.Arg167Cys (NM_001364297.2, NM_001364298.2, NM_002310.6); short protein forms R167C.
Identifiers: ClinVar variation 2202628 (VCV002202628.1), dbSNP rs774503800, ClinGen allele CA3243195.